The following is an entry in ClinVar:

ClinVar aggregate classification (germline): Uncertain significance (1 of 4 stars; one submission).

Conditions:
Inborn genetic diseases. Identifiers: MedGen C0950123, MeSH D030342.

Submission:

Ambry Genetics
Classification: Uncertain significance for Inborn genetic diseases. Last evaluated: 2024-02-08. Review status: criteria provided, single submitter. Criteria: Ambry Variant Classification Scheme 2023. Collection method: clinical testing. Allele origin: germline.
Comment: The c.5467C>A (p.P1823T) alteration is located in exon 29 (coding exon 29) of the POLR2A gene. This alteration results from a C to A substitution at nucleotide position 5467, causing the proline (P) at amino acid position 1823 to be replaced by a threonine (T). This variant was not reported in population-based cohorts in the Genome Aggregation Database (gnomAD). This amino acid position is highly conserved in available vertebrate species. This alteration is predicted to be tolerated by in silico analysis. Based on insufficient or conflicting evidence, the clinical significance of this alteration remains unclear.

NM_000937.5(POLR2A):c.5467C>A (p.Pro1823Thr)

Gene: POLR2A (RNA polymerase II subunit A; plus strand). Cytogenetic location: 17p13.1.
Variant type: single nucleotide variant.
Coding change: c.5467C>A on transcript NM_000937.5 (MANE Select); coding-DNA position 5467, C replaced by A.
Protein change: p.Pro1823Thr; replaces proline 1823 with threonine.
Molecular consequence: missense variant.
Genome position (GRCh38, 1-based): chr17:7,513,731, C>A. VCF-style: chr17-7513731-C-A. GRCh37 (hg19) VCF-style: chr17-7417050-C-A.
Other names: short protein forms P1823T.
Identifiers: ClinVar variation 3216510 (VCV003216510.1), dbSNP rs2508204503, ClinGen allele CA397838297.
Genomic context (GRCh38, chr17:7,513,731, plus strand): 5'-AGTTACTCCCCTTCCAGCCCACGATACACACCACAGTCTCCAACCTATACCCCAAGCTCA[C>A]CCAGCTACAGCCCCAGCTCGCCCAGCTACAGCCCAACCTCACCCACAAGTACACCCCAAC-3'
Protein context (NP_000928.1, residues 1813-1833): PQSPTYTPSS[Pro1823Thr]SYSPSSPSYS